The following is an entry in ClinVar:

ClinVar aggregate classification (germline): Uncertain significance. Review status: criteria provided, multiple submitters, no conflicts (2 of 4 stars). 3 submissions from 3 submitters: Uncertain significance (3). Last evaluated 2026-03-17.

Conditions:
Hereditary cancer-predisposing syndrome. Also called: Tumor predisposition; Neoplastic Syndromes, Hereditary; Hereditary Cancer Syndrome; Hereditary neoplastic syndrome. Identifiers: Orphanet 140162, MedGen C0027672, MeSH D009386, MONDO:0015356.
Cardiovascular phenotype. Identifiers: MedGen CN230736.
LZTR1-related schwannomatosis. Also called: Schwannomatosis-2, susceptibility to; Schwannomatosis 2. Identifiers: Orphanet 93921, MedGen C3810283, MONDO:0014299, OMIM 615670.

Allele frequency attached by ClinVar (database versions not stated): ExAC 0.00002; TOPMed below 0.00001; gnomAD 0.00003 and 0.00002; 1000 Genomes Project 0.00020; 1000 Genomes Project 30x 0.00016; gnomAD exomes 0.00002.
gnomAD v4.1: 13 of 1,613,110 alleles (0.00081%); highest among the groups gnomAD compares: African/African-American, 0.011%; no homozygotes.

Submissions (3):

Ambry Genetics
Classification: Uncertain significance for Cardiovascular phenotype; Hereditary cancer-predisposing syndrome. Last evaluated: 2026-03-17. Review status: criteria provided, single submitter. Criteria: Ambry Variant Classification Scheme 2023. Collection method: clinical testing. Allele origin: germline.
Comment: The p.E731K variant (also known as c.2191G>A), located in coding exon 18 of the LZTR1 gene, results from a G to A substitution at nucleotide position 2191. The glutamic acid at codon 731 is replaced by lysine, an amino acid with similar properties. This amino acid position is well conserved in available vertebrate species. In addition, this alteration is predicted to be tolerated by in silico analysis. Since supporting evidence is limited at this time, the clinical significance of this alteration remains unclear.

Labcorp Genetics (formerly Invitae), Labcorp
Classification: Uncertain significance. Last evaluated: 2025-10-13. Review status: criteria provided, single submitter. Criteria: Invitae Variant Classification Sherloc (09022015). Collection method: clinical testing. Allele origin: germline.
Comment: This sequence change replaces glutamic acid, which is acidic and polar, with lysine, which is basic and polar, at codon 731 of the LZTR1 protein (p.Glu731Lys). This variant is present in population databases (rs377445349, gnomAD 0.03%). This variant has not been reported in the literature in individuals affected with LZTR1-related conditions. ClinVar contains an entry for this variant (Variation ID: 1415896). Invitae Evidence Modeling of protein sequence and biophysical properties (such as structural, functional, and spatial information, amino acid conservation, physicochemical variation, residue mobility, and thermodynamic stability) indicates that this missense variant is not expected to disrupt LZTR1 protein function with a negative predictive value of 80%. Algorithms developed to predict the effect of sequence changes on RNA splicing suggest that this variant may create or strengthen a splice site. In summary, the available evidence is currently insufficient to determine the role of this variant in disease. Therefore, it has been classified as a Variant of Uncertain Significance.

Baylor Genetics
Classification: Uncertain significance for LZTR1-related schwannomatosis. Last evaluated: 2023-10-17. Review status: criteria provided, single submitter. Criteria: ACMG Guidelines, 2015. Collection method: clinical testing. Allele origin: unknown.

NM_006767.4(LZTR1):c.2191G>A (p.Glu731Lys)

Gene: LZTR1 (leucine zipper like post translational regulator 1; plus strand). Cytogenetic location: 22q11.21.
Variant type: single nucleotide variant.
Coding change: c.2191G>A on transcript NM_006767.4 (MANE Select); coding-DNA position 2191, G replaced by A.
Protein change: p.Glu731Lys; replaces glutamic acid 731 with lysine.
Molecular consequence: missense variant.
Genome position (GRCh38, 1-based): chr22:20,996,084, G>A. VCF-style: chr22-20996084-G-A. GRCh37 (hg19) VCF-style: chr22-21350373-G-A.
Other names: short protein forms E731K.
Identifiers: ClinVar variation 1415896 (VCV001415896.11), dbSNP rs377445349, ClinGen allele CA10119271.